The following is an entry in ClinVar:

ClinVar aggregate classification (germline): Uncertain significance (1 of 4 stars; one submission).

Conditions:
Breast-ovarian cancer, familial, susceptibility to, 2 (BROVCA2). Also called: BRCA2 Hereditary Breast and Ovarian Cancer. Identifiers: Orphanet 145, MedGen C2675520, MONDO:0012933, OMIM 612555. Disease mechanism: loss of function.

Submission:

All of Us Research Program, National Institutes of Health
Classification: Uncertain significance for Breast-ovarian cancer, familial, susceptibility to, 2. Last evaluated: 2023-08-28. Review status: criteria provided, single submitter. Criteria: ACMG Guidelines, 2015. Collection method: clinical testing. Allele origin: germline. Inheritance: Autosomal dominant inheritance. Observed: 1 variant allele, 1 heterozygote.
Comment: This missense variant replaces leucine with valine at codon 2396 of the BRCA2 protein. Computational prediction suggests that this variant may not impact protein structure and function (internally defined REVEL score threshold <= 0.5, PMID: 27666373). To our knowledge, functional studies have not been reported for this variant. This variant has not been reported in individuals affected with BRCA2-related disorders in the literature. This variant has not been identified in the general population by the Genome Aggregation Database (gnomAD). The available evidence is insufficient to determine the role of this variant in disease conclusively. Therefore, this variant is classified as a Variant of Uncertain Significance.

This study involves interpretation of variants in research participants for the purpose of population health screening. Participant phenotype was not available at the time of variant classification. Additional details can be found in publication PMID: 35346344, PMCID: PMC8962531

NM_000059.4(BRCA2):c.7186T>G (p.Leu2396Val)

Gene: BRCA2 (BRCA2 DNA repair associated; plus strand). Cytogenetic location: 13q13.1.
Variant type: single nucleotide variant.
Coding change: c.7186T>G on transcript NM_000059.4 (MANE Select); coding-DNA position 7186, T replaced by G.
Protein change: p.Leu2396Val; replaces leucine 2396 with valine.
Molecular consequence: missense variant. On other transcripts: non-coding transcript variant (1).
Genome position (GRCh38, 1-based): chr13:32,355,039, T>G. VCF-style: chr13-32355039-T-G. GRCh37 (hg19) VCF-style: chr13-32929176-T-G.
Other names: c.7090T>G, p.Leu2364Val (NM_001406719.1); c.7186T>G, p.Leu2396Val (NM_001406720.1); c.2254T>G, p.Leu752Val (NM_001406721.1); c.769T>G, p.Leu257Val (NM_001406722.1); short protein forms L2364V, L2396V, L257V, L752V.
Identifiers: ClinVar variation 3073175 (VCV003073175.1), dbSNP rs1593917990, ClinGen allele CA387739696.